The following is an entry in ClinVar:

NM_005765.3(ATP6AP2):c.463C>T (p.Arg155Cys)

Gene: ATP6AP2 (ATPase H+ transporting accessory protein 2; plus strand). Cytogenetic location: Xp11.4.
Variant type: single nucleotide variant.
Coding change: c.463C>T on transcript NM_005765.3 (MANE Select); coding-DNA position 463, C replaced by T.
Protein change: p.Arg155Cys; replaces arginine 155 with cysteine.
Molecular consequence: missense variant.
Genome position (GRCh38, 1-based): chrX:40,597,593, C>T. VCF-style: chrX-40597593-C-T. GRCh37 (hg19) VCF-style: chrX-40456845-C-T.
Other names: short protein forms R155C.
Identifiers: ClinVar variation 204911 (VCV000204911.11), dbSNP rs146371390, ClinGen allele CA313352.

ClinVar aggregate classification (germline): Uncertain significance. Review status: criteria provided, multiple submitters, no conflicts (2 of 4 stars). 2 submissions from 2 submitters: Uncertain significance (2). Last evaluated 2026-01-11.

Conditions:
Intellectual developmental disorder, X-linked, syndromic, Hedera type. Also called: Syndromic X-linked intellectual disability Hedera type. Identifiers: Orphanet 93952, MedGen C1845543, MONDO:0010319, OMIM 300423.

Allele frequency attached by ClinVar (database versions not stated): gnomAD exomes 0.00002 and 0.00004; ExAC 0.00006; gnomAD 0.00018 and 0.00019; ESP Exome Variant Server 0.00019; TOPMed 0.00021.
gnomAD v4.1: 46 of 1,208,012 alleles (0.0038%); highest among the groups gnomAD compares: African/African-American, 0.063%; no homozygotes.

Submissions (2):

Labcorp Genetics (formerly Invitae), Labcorp
Classification: Uncertain significance for Intellectual developmental disorder, X-linked, syndromic, Hedera type. Last evaluated: 2026-01-11. Review status: criteria provided, single submitter. Criteria: Invitae Variant Classification Sherloc (09022015). Collection method: clinical testing. Allele origin: germline.
Comment: This sequence change replaces arginine, which is basic and polar, with cysteine, which is neutral and slightly polar, at codon 155 of the ATP6AP2 protein (p.Arg155Cys). This variant is present in population databases (rs146371390, gnomAD 0.05%). This variant has not been reported in the literature in individuals affected with ATP6AP2-related conditions. ClinVar contains an entry for this variant (Variation ID: 204911). Invitae Evidence Modeling of protein sequence and biophysical properties (such as structural, functional, and spatial information, amino acid conservation, physicochemical variation, residue mobility, and thermodynamic stability) indicates that this missense variant is expected to disrupt ATP6AP2 protein function with a positive predictive value of 80%. In summary, the available evidence is currently insufficient to determine the role of this variant in disease. Therefore, it has been classified as a Variant of Uncertain Significance.

Eurofins Ntd Llc (ga)
Classification: Uncertain significance. Last evaluated: 2015-11-02. Review status: criteria provided, single submitter. Criteria: EGL Classification Definitions 2015. Collection method: clinical testing. Allele origin: germline. Observed: 1 variant allele, 1 heterozygote.